The following is an entry in ClinVar:

ClinVar aggregate classification (germline): Uncertain significance (1 of 4 stars; one submission).

Allele frequency attached by ClinVar (database versions not stated): ExAC 0.00001; gnomAD exomes 0.00001.
gnomAD v4.1: 6 of 1,211,350 alleles (0.0005%); highest among the groups gnomAD compares: Non-Finnish European, 0.00067%; no homozygotes.

Submission:

Labcorp Genetics (formerly Invitae), Labcorp
Classification: Uncertain significance. Last evaluated: 2023-12-06. Review status: criteria provided, single submitter. Criteria: Invitae Variant Classification Sherloc (09022015). Collection method: clinical testing. Allele origin: germline.
Comment: This sequence change replaces alanine, which is neutral and non-polar, with serine, which is neutral and polar, at codon 419 of the GPR101 protein (p.Ala419Ser). This variant is present in population databases (rs781020019, gnomAD 0.001%). This variant has not been reported in the literature in individuals affected with GPR101-related conditions. An algorithm developed to predict the effect of missense changes on protein structure and function (PolyPhen-2) suggests that this variant is likely to be disruptive. In summary, the available evidence is currently insufficient to determine the role of this variant in disease. Therefore, it has been classified as a Variant of Uncertain Significance.

NM_054021.2(GPR101):c.1255G>T (p.Ala419Ser)

Gene: GPR101 (G protein-coupled receptor 101; minus strand). Cytogenetic location: Xq26.3.
Variant type: single nucleotide variant.
Coding change: c.1255G>T on transcript NM_054021.2 (MANE Select); coding-DNA position 1255, G replaced by T.
Protein change: p.Ala419Ser; replaces alanine 419 with serine.
Molecular consequence: missense variant.
Genome position (GRCh38, 1-based): chrX:137,030,420, C>A on the plus strand (G>T on the coding strand, the complement: GPR101 is on the minus strand). VCF-style: chrX-137030420-C-A. GRCh37 (hg19) VCF-style: chrX-136112579-C-A.
Other names: short protein forms A419S.
Identifiers: ClinVar variation 2879531 (VCV002879531.3), dbSNP rs781020019, ClinGen allele CA10529072.